The following is an entry in ClinVar:

ClinVar aggregate classification (germline): Conflicting classifications of pathogenicity. Review status: criteria provided, conflicting classifications (1 of 4 stars). 2 submissions from 2 submitters: Uncertain significance (1); Likely benign (1). Last evaluated 2025-07-11.

Conditions:
DIAPH3-related disorder. Also called: DIAPH3-related condition.

Allele frequency attached by ClinVar (database versions not stated): gnomAD exomes 0.00003 and 0.00008; TOPMed 0.00003; ExAC 0.00008.
gnomAD v4.1: 20 of 1,611,764 alleles (0.0012%); highest among the groups gnomAD compares: Admixed American, 0.033%; no homozygotes.

Submissions (2):

PreventionGenetics, part of Exact Sciences
Classification: Likely benign for DIAPH3-related condition. Last evaluated: 2025-07-11. Review status: criteria provided, single submitter. Criteria: ACMG Guidelines, 2015. Collection method: clinical testing. Allele origin: germline.
Comment: This variant is classified as likely benign based on ACMG/AMP sequence variant interpretation guidelines (Richards et al. 2015 PMID: 25741868, with internal and published modifications).

Labcorp Genetics (formerly Invitae), Labcorp
Classification: Uncertain significance. Last evaluated: 2024-11-05. Review status: criteria provided, single submitter. Criteria: Invitae Variant Classification Sherloc (09022015). Collection method: clinical testing. Allele origin: germline.
Comment: This sequence change replaces alanine, which is neutral and non-polar, with glycine, which is neutral and non-polar, at codon 528 of the DIAPH3 protein (p.Ala528Gly). This variant is present in population databases (rs777895599, gnomAD 0.06%), and has an allele count higher than expected for a pathogenic variant. This variant has not been reported in the literature in individuals affected with DIAPH3-related conditions. ClinVar contains an entry for this variant (Variation ID: 1515467). An algorithm developed to predict the effect of missense changes on protein structure and function (PolyPhen-2) suggests that this variant is likely to be tolerated. In summary, the available evidence is currently insufficient to determine the role of this variant in disease. Therefore, it has been classified as a Variant of Uncertain Significance.

NM_001042517.2(DIAPH3):c.1583C>G (p.Ala528Gly)

Gene: DIAPH3 (diaphanous related formin 3; minus strand). Cytogenetic location: 13q21.2.
Variant type: single nucleotide variant.
Coding change: c.1583C>G on transcript NM_001042517.2 (MANE Select); coding-DNA position 1583, C replaced by G.
Protein change: p.Ala528Gly; replaces alanine 528 with glycine.
Molecular consequence: missense variant.
Genome position (GRCh38, 1-based): chr13:59,974,419, G>C on the plus strand (C>G on the coding strand, the complement: DIAPH3 is on the minus strand). VCF-style: chr13-59974419-G-C. GRCh37 (hg19) VCF-style: chr13-60548553-G-C.
Other names: c.1550C>G, p.Ala517Gly (NM_001258366.2); c.1445C>G, p.Ala482Gly (NM_001258367.2); c.1373C>G, p.Ala458Gly (NM_001258368.2); c.1583C>G, p.Ala528Gly (NM_001258369.2); c.794C>G, p.Ala265Gly (NM_001258370.2, NM_030932.4); c.1583C>G (NM_001042517.1); short protein forms A265G, A517G, A528G, A458G, A482G.
Identifiers: ClinVar variation 1515467 (VCV001515467.7), dbSNP rs777895599, ClinGen allele CA6996634.